The following is an entry in ClinVar:

ClinVar aggregate classification (germline): Likely pathogenic (1 of 4 stars; one submission).

Conditions:
Congenital myasthenic syndrome 4A. Also called: Myasthenic syndrome, congenital, 4a, slow-channel; CONGENITAL MYASTHENIC SYNDROME TYPE Ia1; MYASTHENIC SYNDROME, CONGENITAL, 4A, SLOW-CHANNEL, AUTOSOMAL RECESSIVE. Identifiers: Orphanet 590, MedGen C4225413, MONDO:0011600, OMIM 605809.

Submission:

Labcorp Genetics (formerly Invitae), Labcorp
Classification: Likely pathogenic for Congenital myasthenic syndrome 4A. Last evaluated: 2023-03-01. Review status: criteria provided, single submitter. Criteria: Invitae Variant Classification Sherloc (09022015). Collection method: clinical testing. Allele origin: germline.
Comment: In summary, the currently available evidence indicates that the variant is pathogenic, but additional data are needed to prove that conclusively. Therefore, this variant has been classified as Likely Pathogenic. Algorithms developed to predict the effect of sequence changes on RNA splicing suggest that this variant may disrupt the consensus splice site. This variant has not been reported in the literature in individuals affected with CHRNE-related conditions. This variant is not present in population databases (gnomAD no frequency). This sequence change affects a splice site in intron 9 of the CHRNE gene. It is expected to disrupt RNA splicing. Variants that disrupt the donor or acceptor splice site typically lead to a loss of protein function (PMID: 16199547), and loss-of-function variants in CHRNE are known to be pathogenic (PMID: 22678886).

Literature cited by the submitters: PubMed 16199547; PubMed 22678886.

NM_000080.4(CHRNE):c.1033-2del

Genes: CHRNE (cholinergic receptor nicotinic epsilon subunit; minus strand), LOC130060041 (ATAC-STARR-seq lymphoblastoid silent region 8050; plus strand). Cytogenetic location: 17p13.2.
Variant type: Deletion.
Coding change: c.1033-2del on transcript NM_000080.4 (MANE Select); the canonical splice acceptor site of the intron before coding-DNA position 1033, one base deleted (A; older notation c.1033-2delA).
Molecular consequence: splice acceptor variant.
Genome position (GRCh38, 1-based): chr17:4,899,386, T deleted on the plus strand (A on the coding strand, the reverse complement: CHRNE is on the minus strand). VCF-style (leftmost placement, unchanged base first): chr17-4899385-CT-C. GRCh37 (hg19) VCF-style: chr17-4802680-CT-C.
Identifiers: ClinVar variation 2841864 (VCV002841864.3), dbSNP rs2494853019, ClinGen allele CA2576135721.